The following is an entry in ClinVar:

ClinVar aggregate classification (germline): Uncertain significance (1 of 4 stars; one submission).

Allele frequency attached by ClinVar (database versions not stated): gnomAD exomes below 0.00001.

Submission:

GeneDx
Classification: Uncertain significance. Last evaluated: 2019-08-15. Review status: criteria provided, single submitter. Criteria: GeneDx Variant Classification Process June 2021. Collection method: clinical testing. Allele origin: germline. Affected: yes.
Comment: Not observed in large population cohorts (Lek et al., 2016); In silico analysis, which includes protein predictors and evolutionary conservation, supports that this variant does not alter protein structure/function; Has not been previously published as pathogenic or benign to our knowledge

NM_001371727.1(GABRB2):c.121G>A (p.Asp41Asn)

Gene: GABRB2 (gamma-aminobutyric acid type A receptor subunit beta2; minus strand). Cytogenetic location: 5q34.
Variant type: single nucleotide variant.
Coding change: c.121G>A on transcript NM_001371727.1 (MANE Select); coding-DNA position 121, G replaced by A.
Protein change: p.Asp41Asn; replaces aspartic acid 41 with asparagine.
Molecular consequence: missense variant.
Genome position (GRCh38, 1-based): chr5:161,546,370, C>T on the plus strand (G>A on the coding strand, the complement: GABRB2 is on the minus strand). VCF-style: chr5-161546370-C-T. GRCh37 (hg19) VCF-style: chr5-160973376-C-T.
Other names: c.121G>A, p.Asp41Asn (NM_000813.3, NM_021911.3); short protein forms D41N.
Identifiers: ClinVar variation 1307919 (VCV001307919.2), dbSNP rs2113490159, ClinGen allele CA362172645.
Genomic context (GRCh38, chr5:161,546,370, plus strand): 5'-CAACCCCATTACCTCCAAAATCTGGTCTCAGACGAATGTCATAGCCTTTCAGGAGTCTAT[C>T]CACCGTCTCTTTAACCAGCGACATATTACTAGGGTCATTGACACTAAAGAAAGAAATGAC-3'
Protein context (NP_001358656.1, residues 31-51): SNMSLVKETV[Asp41Asn]RLLKGYDIRL